The following is an entry in ClinVar:

NM_014014.5(SNRNP200):c.574+5G>C

Gene: SNRNP200 (small nuclear ribonucleoprotein U5 subunit 200; minus strand). Cytogenetic location: 2q11.2.
Variant type: single nucleotide variant.
Coding change: c.574+5G>C on transcript NM_014014.5 (MANE Select); 5 bases into the intron after coding-DNA position 574, G replaced by C.
Molecular consequence: intron variant.
Genome position (GRCh38, 1-based): chr2:96,301,519, C>G on the plus strand (G>C on the coding strand, the complement: SNRNP200 is on the minus strand). VCF-style: chr2-96301519-C-G. GRCh37 (hg19) VCF-style: chr2-96967257-C-G.
Identifiers: ClinVar variation 2789262 (VCV002789262.3), dbSNP rs759165717, ClinGen allele CA534635485.

ClinVar aggregate classification (germline): Uncertain significance (1 of 4 stars; one submission).

gnomAD v4.1: 7 of 1,614,126 alleles (0.00043%); highest among the groups gnomAD compares: South Asian, 0.0022%; no homozygotes.

Submission:

Labcorp Genetics (formerly Invitae), Labcorp
Classification: Uncertain significance. Last evaluated: 2025-05-16. Review status: criteria provided, single submitter. Criteria: Invitae Variant Classification Sherloc (09022015). Collection method: clinical testing. Allele origin: germline.
Comment: This sequence change falls in intron 4 of the SNRNP200 gene. It does not directly change the encoded amino acid sequence of the SNRNP200 protein. It affects a nucleotide within the consensus splice site. This variant is present in population databases (no rsID available, gnomAD 0.003%). This variant has not been reported in the literature in individuals affected with SNRNP200-related conditions. ClinVar contains an entry for this variant (Variation ID: 2789262). Variants that disrupt the consensus splice site are a relatively common cause of aberrant splicing (PMID: 17576681, 9536098). Algorithms developed to predict the effect of sequence changes on RNA splicing suggest that this variant is not likely to affect RNA splicing. In summary, the available evidence is currently insufficient to determine the role of this variant in disease. Therefore, it has been classified as a Variant of Uncertain Significance.

Literature cited by the submitters: PubMed 17576681; PubMed 9536098.